The following is an entry in ClinVar:

NM_000059.4(BRCA2):c.6735delinsTT (p.Pro2246fs)

Gene: BRCA2 (BRCA2 DNA repair associated; plus strand). Cytogenetic location: 13q13.1.
Variant type: Indel.
Coding change: c.6735delinsTT on transcript NM_000059.4 (MANE Select); coding-DNA position 6735, G replaced by TT.
Protein change: p.Pro2246fs; shifts the reading frame from proline 2246.
Molecular consequence: frameshift variant. On other transcripts: non-coding transcript variant (1), intron variant (2).
Genome position (GRCh38, 1-based): chr13:32,341,090, G replaced by TT. VCF-style: chr13-32341090-G-TT. GRCh37 (hg19) VCF-style: chr13-32915227-G-TT.
Other names: c.6735delinsTT, p.Pro2246fs (NM_001406719.1, NM_001406720.1, NM_001432077.1); c.1910-3468delinsTT (NM_001406721.1); c.425-3468delinsTT (NM_001406722.1); short protein forms P2246fs.
Identifiers: ClinVar variation 3482118 (VCV003482118.1).

ClinVar aggregate classification (germline): Pathogenic (1 of 4 stars; one submission).

Conditions:
Hereditary cancer-predisposing syndrome. Also called: Tumor predisposition; Neoplastic Syndromes, Hereditary; Hereditary Cancer Syndrome; Hereditary neoplastic syndrome. Identifiers: Orphanet 140162, MedGen C0027672, MeSH D009386, MONDO:0015356.

Submission:

Ambry Genetics
Classification: Pathogenic for Hereditary cancer-predisposing syndrome. Last evaluated: 2024-10-13. Review status: criteria provided, single submitter. Criteria: Ambry Variant Classification Scheme 2023. Collection method: clinical testing. Allele origin: germline.
Comment: The c.6735delGinsTT pathogenic mutation, located in coding exon 10 of the BRCA2 gene, results from the deletion of one nucleotide and insertion of two nucleotides causing a translational frameshift with a predicted alternate stop codon (p.P2246Sfs*15). This variant is considered to be rare based on population cohorts in the Genome Aggregation Database (gnomAD). This alteration is expected to result in loss of function by premature protein truncation or nonsense-mediated mRNA decay. As such, this alteration is interpreted as a disease-causing mutation.